The following is an entry in ClinVar:

NM_000785.4(CYP27B1):c.1096del (p.Gln366fs)

Gene: CYP27B1 (cytochrome P450 family 27 subfamily B member 1; minus strand). Cytogenetic location: 12q14.1.
Variant type: Deletion.
Coding change: c.1096del on transcript NM_000785.4 (MANE Select); coding-DNA position 1096, one base deleted (C; older notation c.1096delC).
Protein change: p.Gln366fs; shifts the reading frame from glutamine 366.
Molecular consequence: frameshift variant.
Genome position (GRCh38, 1-based): chr12:57,764,418, G deleted on the plus strand (C on the coding strand, the reverse complement: CYP27B1 is on the minus strand); the first of 3 consecutive G bases (chr12:57,764,418-57,764,420); deleting any one gives the same sequence. VCF-style (leftmost placement, unchanged base first): chr12-57764417-TG-T. GRCh37 (hg19) VCF-style: chr12-58158200-TG-T.
Other names: short protein forms Q366fs.
Identifiers: ClinVar variation 2746809 (VCV002746809.3), dbSNP rs2540915933, ClinGen allele CA2697559311.

ClinVar aggregate classification (germline): Pathogenic (1 of 4 stars; one submission).

Submission:

Labcorp Genetics (formerly Invitae), Labcorp
Classification: Pathogenic. Last evaluated: 2023-07-25. Review status: criteria provided, single submitter. Criteria: Invitae Variant Classification Sherloc (09022015). Collection method: clinical testing. Allele origin: germline.
Comment: For these reasons, this variant has been classified as Pathogenic. This variant has not been reported in the literature in individuals affected with CYP27B1-related conditions. This variant is not present in population databases (gnomAD no frequency). This sequence change creates a premature translational stop signal (p.Gln366Serfs*5) in the CYP27B1 gene. It is expected to result in an absent or disrupted protein product. Loss-of-function variants in CYP27B1 are known to be pathogenic (PMID: 9837822, 17488797).

Literature cited by the submitters: PubMed 9837822; PubMed 17488797.